The following is an entry in ClinVar:

NM_177438.3(DICER1):c.343del (p.Thr115fs)

Gene: DICER1 (dicer 1, ribonuclease III; minus strand). Cytogenetic location: 14q32.13.
Variant type: Deletion.
Coding change: c.343del on transcript NM_177438.3 (MANE Select); coding-DNA position 343, one base deleted (A; older notation c.343delA).
Protein change: p.Thr115fs; shifts the reading frame from threonine 115.
Molecular consequence: frameshift variant. On other transcripts: 5 prime UTR variant (2), non-coding transcript variant (5), intron variant (6).
Genome position (GRCh38, 1-based): chr14:95,131,604, T deleted on the plus strand (A on the coding strand, the reverse complement: DICER1 is on the minus strand); the first of 2 consecutive T bases (chr14:95,131,604-95,131,605); deleting either gives the same sequence. VCF-style (leftmost placement, unchanged base first): chr14-95131603-GT-G. GRCh37 (hg19) VCF-style: chr14-95597940-GT-G.
Other names: c.343delA (NM_177438.2); c.343del, p.Thr115fs (NM_001395682.1, NM_001395683.1, NM_001395684.1 and 14 more transcripts); c.61del, p.Thr21fs (NM_001395686.1); c.-116del (NM_001395691.1); c.-1226del (NM_001395697.1); c.33+911del (NM_001395690.1, NM_001395687.1, NM_001395689.1 and 3 more transcripts); c.342delA, p.Thr115Leufs (NM_001395681.1); short protein forms T115fs, T21fs.
Identifiers: ClinVar variation 3229380 (VCV003229380.3), dbSNP rs2543342690, ClinGen allele CA2825002245.

ClinVar aggregate classification (germline): Pathogenic. Review status: criteria provided, multiple submitters, no conflicts (2 of 4 stars). 2 submissions from 2 submitters: Pathogenic (2). Last evaluated 2024-04-20.

Conditions:
Hereditary cancer-predisposing syndrome. Also called: Hereditary Cancer Syndrome; Tumor predisposition; Neoplastic Syndromes, Hereditary; Hereditary neoplastic syndrome. Identifiers: Orphanet 140162, MedGen C0027672, MeSH D009386, MONDO:0015356.
DICER1-related tumor predisposition. Also called: DICER1-related pleuropulmonary blastoma cancer predisposition syndrome; DICER1 syndrome. Identifiers: Orphanet 284343, MedGen C3839822, MONDO:0100216.

Submissions (2):

Labcorp Genetics (formerly Invitae), Labcorp
Classification: Pathogenic for DICER1-related tumor predisposition. Last evaluated: 2024-04-20. Review status: criteria provided, single submitter. Criteria: Invitae Variant Classification Sherloc (09022015). Collection method: clinical testing. Allele origin: germline.
Comment: This sequence change creates a premature translational stop signal (p.Thr115Leufs*13) in the DICER1 gene. It is expected to result in an absent or disrupted protein product. Loss-of-function variants in DICER1 are known to be pathogenic (PMID: 19556464, 21266384). This variant is not present in population databases (gnomAD no frequency). This variant has not been reported in the literature in individuals affected with DICER1-related conditions. For these reasons, this variant has been classified as Pathogenic.

Ambry Genetics
Classification: Pathogenic for Hereditary cancer-predisposing syndrome. Last evaluated: 2024-03-06. Review status: criteria provided, single submitter. Criteria: Ambry Variant Classification Scheme 2023. Collection method: clinical testing. Allele origin: germline.
Comment: The c.343delA pathogenic mutation, located in coding exon 3 of the DICER1 gene, results from a deletion of one nucleotide at nucleotide position 343, causing a translational frameshift with a predicted alternate stop codon (p.T115Lfs*13). This alteration is expected to result in loss of function by premature protein truncation or nonsense-mediated mRNA decay. As such, this alteration is interpreted as a disease-causing mutation.

Literature cited by the submitters: PubMed 19556464 (cited by Labcorp Genetics (formerly Invitae), Labcorp); PubMed 21266384 (cited by Labcorp Genetics (formerly Invitae), Labcorp).